The following is an entry in ClinVar:

NM_004444.5(EPHB4):c.1444G>A (p.Val482Met)

Gene: EPHB4 (EPH receptor B4; minus strand). Cytogenetic location: 7q22.1.
Variant type: single nucleotide variant.
Coding change: c.1444G>A on transcript NM_004444.5 (MANE Select); coding-DNA position 1444, G replaced by A.
Protein change: p.Val482Met; replaces valine 482 with methionine.
Molecular consequence: missense variant.
Genome position (GRCh38, 1-based): chr7:100,817,336, C>T on the plus strand (G>A on the coding strand, the complement: EPHB4 is on the minus strand). VCF-style: chr7-100817336-C-T. GRCh37 (hg19) VCF-style: chr7-100414958-C-T.
Other names: short protein forms V482M.
Identifiers: ClinVar variation 4018809 (VCV004018809.2).

ClinVar aggregate classification (germline): Uncertain significance. Review status: criteria provided, multiple submitters, no conflicts (2 of 4 stars). 2 submissions from 2 submitters: Uncertain significance (2). Last evaluated 2025-05-10.

Conditions:
Cardiovascular phenotype. Identifiers: MedGen CN230736.

Submissions (2):

Ambry Genetics
Classification: Uncertain significance for Cardiovascular phenotype. Last evaluated: 2025-05-10. Review status: criteria provided, single submitter. Criteria: Ambry Variant Classification Scheme 2023. Collection method: clinical testing. Allele origin: germline.
Comment: The p.V482M variant (also known as c.1444G>A), located in coding exon 8 of the EPHB4 gene, results from a G to A substitution at nucleotide position 1444. The valine at codon 482 is replaced by methionine, an amino acid with highly similar properties. This amino acid position is conserved. In addition, the in silico prediction for this alteration is inconclusive. Based on the available evidence, the clinical significance of this variant remains unclear.

Revvity Omics, Revvity
Classification: Uncertain significance. Last evaluated: 2025-02-18. Review status: criteria provided, single submitter. Criteria: ACMG Guidelines, 2015. Collection method: clinical testing. Allele origin: germline.